The following is an entry in ClinVar:

NM_001001344.3(ATP2B3):c.216G>A (p.Ala72=)

Gene: ATP2B3 (ATPase plasma membrane Ca2+ transporting 3; plus strand). Cytogenetic location: Xq28.
Variant type: single nucleotide variant.
Coding change: c.216G>A on transcript NM_001001344.3 (MANE Select); coding-DNA position 216, G replaced by A.
Protein change: p.Ala72=; no amino-acid change (alanine 72 retained).
Molecular consequence: synonymous variant.
Genome position (GRCh38, 1-based): chrX:153,541,366, G>A. VCF-style: chrX-153541366-G-A. GRCh37 (hg19) VCF-style: chrX-152806824-G-A.
Other names: c.216G>A, p.Ala72= (NM_001388360.1, NM_001388361.1, NM_001388362.1 and 1 more transcripts).
Identifiers: ClinVar variation 787196 (VCV000787196.5), dbSNP rs144855129, ClinGen allele CA10547442.

ClinVar aggregate classification (germline): Benign. Review status: criteria provided, single submitter (1 of 4 stars). 2 submissions from 2 submitters: Benign (1). 1 of the submissions does not count toward it. Last evaluated 2018-12-14.

Conditions:
ATP2B3-related disorder. Also called: ATP2B3-related condition.

Allele frequency attached by ClinVar (database versions not stated): TOPMed 0.00051; ESP Exome Variant Server 0.00114; 1000 Genomes Project 30x 0.00166; 1000 Genomes Project 0.00185; gnomAD exomes 0.00186 and 0.00328; gnomAD 0.00242 and 0.00251; ExAC 0.00277.
gnomAD v4.1: 2,294 of 1,210,503 alleles (0.19%); highest among the groups gnomAD compares: South Asian, 0.25%; 19 homozygotes.

Submissions (2):

Labcorp Genetics (formerly Invitae), Labcorp
Classification: Benign. Last evaluated: 2018-12-14. Review status: criteria provided, single submitter. Criteria: Invitae Variant Classification Sherloc (09022015). Collection method: clinical testing. Allele origin: germline.

PreventionGenetics, part of Exact Sciences
Classification: Benign for ATP2B3-related condition. Last evaluated: 2019-10-31. Review status: no assertion criteria provided. Collection method: clinical testing. Allele origin: germline. Not counted in ClinVar's aggregate classification.
Comment: This variant is classified as benign based on ACMG/AMP sequence variant interpretation guidelines (Richards et al. 2015 PMID: 25741868, with internal and published modifications).